The following is an entry in ClinVar:

ClinVar aggregate classification (germline): Likely pathogenic (1 of 4 stars; one submission).

Conditions:
Action myoclonus-renal failure syndrome. Also called: SCARB2-Related Action Myoclonus-Renal Failure Syndrome; MYOCLONUS-NEPHROPATHY SYNDROME; EPILEPSY, PROGRESSIVE MYOCLONIC, 4, WITH RENAL FAILURE; EPILEPSY, PROGRESSIVE MYOCLONIC, 4, WITHOUT RENAL FAILURE. Identifiers: Orphanet 163696, MedGen C0751779, MeSH D020191, MONDO:0009699, OMIM 254900.

Allele frequency attached by ClinVar (database versions not stated): TOPMed 0.00001; gnomAD 0.00011; gnomAD exomes 0.00013; ExAC 0.00037; 1000 Genomes Project 30x 0.00078; 1000 Genomes Project 0.00080.
gnomAD v4.1: 210 of 1,612,008 alleles (0.013%); highest among the groups gnomAD compares: South Asian, 0.22%; 3 homozygotes.

Submission:

Department of Cell and Molecular Biology, Manipal School of Life Sciences, Manipal Academy of Higher Education
Classification: Likely pathogenic for Action myoclonus-renal failure syndrome. Review status: criteria provided, single submitter. Criteria: ACMG Guidelines, 2015. Collection method: research. Allele origin: germline. Inheritance: Autosomal recessive inheritance. Affected: yes. Observed: 2 homozygotes.
Comment: An idiopathic familial case of two siblings with PMEs phenotype born to healthy couple of 2° consanguineous marriage were examined in detail. Differential diagnosis based on the phenotypes and the molecular analysis exclude the known genetic basis for the phenotype. Whole exome sequencing report a known homozygous mutation in KCNH8 (c.298T>C; p.Y100H) common to both cases while parents were heterozygous for variant. Various computational tools for pathogenicity prediction suggest deleterious effect of the variant on protein function. The identified variant is is a rare allele observed among only South Asian population with allele frequency of <1%, however, has not been previously associated with any disease phenotype. The mutation in KCNH8 lies in the PAS domain which interacts with C-terminus of another KCNH8 molecule in a tetramer and is responsible for slow deactivation of EAG channels.

NM_144633.3(KCNH8):c.298T>C (p.Tyr100His)

Gene: KCNH8 (potassium voltage-gated channel subfamily H member 8; plus strand). Cytogenetic location: 3p24.3.
Variant type: single nucleotide variant.
Coding change: c.298T>C on transcript NM_144633.3 (MANE Select); coding-DNA position 298, T replaced by C.
Protein change: p.Tyr100His; replaces tyrosine 100 with histidine.
Molecular consequence: missense variant.
Genome position (GRCh38, 1-based): chr3:19,253,875, T>C. VCF-style: chr3-19253875-T-C. GRCh37 (hg19) VCF-style: chr3-19295367-T-C.
Other names: short protein forms Y100H.
Identifiers: ClinVar variation 1700685 (VCV001700685.2), dbSNP rs565744148, ClinGen allele CA2282401.